The following is an entry in ClinVar:

NM_002063.4(GLRA2):c.1333C>T (p.Arg445Trp)

Genes: FANCB (FA complementation group B; minus strand), GLRA2 (glycine receptor alpha 2; plus strand). Cytogenetic location: Xp22.2.
Variant type: single nucleotide variant.
Coding change: c.1333C>T on transcript NM_002063.4 (MANE Select); coding-DNA position 1333, C replaced by T.
Protein change: p.Arg445Trp; replaces arginine 445 with tryptophan.
Molecular consequence: missense variant.
Genome position (GRCh38, 1-based): chrX:14,730,459, C>T. VCF-style: chrX-14730459-C-T. GRCh37 (hg19) VCF-style: chrX-14748581-C-T.
Other names: c.1333C>T, p.Arg445Trp (NM_001118885.2, NM_001118886.2); c.1066C>T, p.Arg356Trp (NM_001171942.2); short protein forms R356W, R445W.
Identifiers: ClinVar variation 4689105 (VCV004689105.1).
Genomic context (GRCh38, chrX:14,730,459, plus strand): 5'-GCCTTCCCATTGGCCTTCCTCATTTTCAACATCTTTTACTGGATCACATACAAGATCATT[C>T]GGCATGAAGATGTCCACAAGAAATAGATGTGCCCTACAGACCCTGGGACCTTCTTGCCTC-3'
Protein context (NP_002054.1, residues 435-452): IFYWITYKII[Arg445Trp]HEDVHKK

ClinVar aggregate classification (germline): Uncertain significance (1 of 4 stars; one submission).

gnomAD v4.1: 1 of 1,206,942 alleles (0.000083%); highest among the groups gnomAD compares: South Asian, 0.0018%; no homozygotes.

Submission:

Women's Health and Genetics/Laboratory Corporation of America, LabCorp
Classification: Uncertain significance. Last evaluated: 2026-01-22. Review status: criteria provided, single submitter. Criteria: LabCorp Variant Classification Summary - May 2015. Collection method: clinical testing. Allele origin: germline.
Comment: Variant summary: GLRA2 c.1333C>T (p.Arg445Trp) results in a non-conservative amino acid change in the encoded protein sequence. Algorithms developed to predict the effect of missense changes on protein structure and function all suggest that this variant is likely to be disruptive. The variant allele was found at a frequency of 5.5e-06 in 183319 control chromosomes. The available data on variant occurrences in the general population are insufficient to allow any conclusion about variant significance. To our knowledge, no occurrence of c.1333C>T in individuals affected with GLRA2-related conditions and no experimental evidence demonstrating its impact on protein function have been reported. No submitters have cited clinical-significance assessments for this variant to ClinVar. Based on the evidence outlined above, the variant was classified as uncertain significance.